The following is an entry in ClinVar:

ClinVar aggregate classification (germline): Uncertain significance. Review status: criteria provided, multiple submitters, no conflicts (2 of 4 stars). 2 submissions from 2 submitters: Uncertain significance (2). Last evaluated 2026-02-20.

Conditions:
LAMA3-related disorder. Also called: LAMA3-related condition; LAMA3-related disorders.
Inborn genetic diseases. Identifiers: MedGen C0950123, MeSH D030342.

Allele frequency attached by ClinVar (database versions not stated): TOPMed 0.00004; gnomAD 0.00011; gnomAD exomes 0.00028.
gnomAD v4.1: 391 of 1,524,514 alleles (0.026%); highest among the groups gnomAD compares: Non-Finnish European, 0.032%; 1 homozygote.

Submissions (2):

PreventionGenetics, part of Exact Sciences
Classification: Uncertain significance for LAMA3-related condition. Last evaluated: 2026-02-20. Review status: criteria provided, single submitter. Criteria: ACMG Guidelines, 2015. Collection method: clinical testing. Allele origin: germline.
Comment: The LAMA3 c.82G>A variant is predicted to result in the amino acid substitution p.Val28Met. To our knowledge, this variant has not been reported in the literature. This variant is reported in 0.035% of alleles in individuals of European (Non-Finnish) descent in gnomAD. At this time, the clinical significance of this variant is uncertain due to the absence of conclusive functional and genetic evidence.

Ambry Genetics
Classification: Uncertain significance for Inborn genetic diseases. Last evaluated: 2021-09-01. Review status: criteria provided, single submitter. Criteria: Ambry Variant Classification Scheme 2023. Collection method: clinical testing. Allele origin: germline.

NM_198129.4(LAMA3):c.82G>A (p.Val28Met)

Gene: LAMA3 (laminin subunit alpha 3; plus strand). Cytogenetic location: 18q11.2.
Variant type: single nucleotide variant.
Coding change: c.82G>A on transcript NM_198129.4 (MANE Select); coding-DNA position 82, G replaced by A.
Protein change: p.Val28Met; replaces valine 28 with methionine.
Molecular consequence: missense variant. On other transcripts: non-coding transcript variant (1).
Genome position (GRCh38, 1-based): chr18:23,689,765, G>A. VCF-style: chr18-23689765-G-A. GRCh37 (hg19) VCF-style: chr18-21269729-G-A.
Other names: c.82G>A (NM_198129.2); c.82G>A, p.Val28Met (NM_001127717.4, NM_001302996.2); short protein forms V28M.
Identifiers: ClinVar variation 2393286 (VCV002393286.4), dbSNP rs761308269, ClinGen allele CA8914176.